The following is an entry in ClinVar:

ClinVar aggregate classification (germline): Uncertain significance (1 of 4 stars; one submission).

Conditions:
Hereditary cancer-predisposing syndrome. Also called: Tumor predisposition; Hereditary Cancer Syndrome; Hereditary neoplastic syndrome; Neoplastic Syndromes, Hereditary. Identifiers: Orphanet 140162, MedGen C0027672, MeSH D009386, MONDO:0015356.

Submission:

Ambry Genetics
Classification: Uncertain significance for Hereditary cancer-predisposing syndrome. Last evaluated: 2026-07-08. Review status: criteria provided, single submitter. Criteria: Ambry Variant Classification Scheme 2023. Collection method: clinical testing. Allele origin: germline.
Comment: The p.G1460C variant (also known as c.4378G>T), located in coding exon 33 of the TSC2 gene, results from a G to T substitution at nucleotide position 4378. The glycine at codon 1460 is replaced by cysteine, an amino acid with highly dissimilar properties. This amino acid position is conserved. In addition, this alteration is predicted to be deleterious by in silico analysis. Based on the available evidence, the clinical significance of this variant remains unclear.

NM_000548.5(TSC2):c.4378G>T (p.Gly1460Cys)

Gene: TSC2 (TSC complex subunit 2; plus strand). Cytogenetic location: 16p13.3.
Variant type: single nucleotide variant.
Coding change: c.4378G>T on transcript NM_000548.5 (MANE Select); coding-DNA position 4378, G replaced by T.
Protein change: p.Gly1460Cys; replaces glycine 1460 with cysteine.
Molecular consequence: missense variant. On other transcripts: non-coding transcript variant (5).
Genome position (GRCh38, 1-based): chr16:2,084,600, G>T. VCF-style: chr16-2084600-G-T. GRCh37 (hg19) VCF-style: chr16-2134601-G-T.
Other names: c.4177G>T, p.Gly1393Cys (NM_001077183.3); c.4309G>T, p.Gly1437Cys (NM_001114382.3); c.4069G>T, p.Gly1357Cys (NM_001318827.2); c.4033G>T, p.Gly1345Cys (NM_001318829.2); c.3646G>T, p.Gly1216Cys (NM_001318831.2); c.4210G>T, p.Gly1404Cys (NM_001318832.2); c.4180G>T, p.Gly1394Cys (NM_001363528.2); c.4246G>T, p.Gly1416Cys (NM_001370404.1); and 26 more; short protein forms G1193C, G1194C, G1237C, G1344C, G1374C, G1390C, G1393C, G1423C.
Identifiers: ClinVar variation 3329522 (VCV003329522.2).
Genomic context (GRCh38, chr16:2,084,600, plus strand): 5'-CAGCCCGAGGGTCCCTTGCCTTCCAGCTCCCCCCGCTCGCCCAGTGGCCTCCGGCCCCGA[G>T]GTTACACCATCTCCGACTCGGCCCCATCACGCAGGGGCAAGAGAGTAGAGAGGGACGCCT-3'
Protein context (NP_000539.2, residues 1450-1470): PRSPSGLRPR[Gly1460Cys]YTISDSAPSR